The following is an entry in ClinVar:

ClinVar aggregate classification (germline): Uncertain significance. Review status: criteria provided, multiple submitters, no conflicts (2 of 4 stars). 2 submissions from 2 submitters: Uncertain significance (2). Last evaluated 2024-12-16.

Conditions:
Immunodeficiency-centromeric instability-facial anomalies syndrome 1 (ICF1). Identifiers: Orphanet 2268, MedGen C4551557, MONDO:0009454, OMIM 242860.
Centromeric instability of chromosomes 1,9 and 16 and immunodeficiency (ICF1). Also called: Immunodeficiency-centromeric instability-facial anomalies; IMMUNE DEFICIENCY, VARIABLE, WITH CENTROMERIC INSTABILITY OF CHROMOSOMES 1, 9, AND 16; IMMUNODEFICIENCY SYNDROME, VARIABLE; CENTROMERIC INSTABILITY, IMMUNODEFICIENCY SYNDROME. Identifiers: Orphanet 2268, MedGen C0398788, MONDO:0000133.

Allele frequency attached by ClinVar (database versions not stated): gnomAD 0.00001; gnomAD exomes 0.00001 and 0.00002; ExAC 0.00002; TOPMed 0.00003.
gnomAD v4.1: 23 of 1,614,224 alleles (0.0014%); highest among the groups gnomAD compares: South Asian, 0.0055%; 1 homozygote.

Submissions (2):

Labcorp Genetics (formerly Invitae), Labcorp
Classification: Uncertain significance for Centromeric instability of chromosomes 1,9 and 16 and immunodeficiency. Last evaluated: 2024-12-16. Review status: criteria provided, single submitter. Criteria: Invitae Variant Classification Sherloc (09022015). Collection method: clinical testing. Allele origin: germline.
Comment: This sequence change replaces threonine, which is neutral and polar, with methionine, which is neutral and non-polar, at codon 180 of the DNMT3B protein (p.Thr180Met). This variant is present in population databases (rs537913125, gnomAD 0.007%). This variant has not been reported in the literature in individuals affected with DNMT3B-related conditions. ClinVar contains an entry for this variant (Variation ID: 895882). Invitae Evidence Modeling of protein sequence and biophysical properties (such as structural, functional, and spatial information, amino acid conservation, physicochemical variation, residue mobility, and thermodynamic stability) indicates that this missense variant is not expected to disrupt DNMT3B protein function with a negative predictive value of 95%. In summary, the available evidence is currently insufficient to determine the role of this variant in disease. Therefore, it has been classified as a Variant of Uncertain Significance.

Illumina Laboratory Services, Illumina
Classification: Uncertain significance for Immunodeficiency-centromeric instability-facial anomalies syndrome 1. Last evaluated: 2018-01-12. Review status: criteria provided, single submitter. Criteria: ICSL Variant Classification Criteria 13 December 2019. Collection method: clinical testing. Allele origin: germline.

NM_006892.4(DNMT3B):c.539C>T (p.Thr180Met)

Gene: DNMT3B (DNA methyltransferase 3 beta; plus strand). Cytogenetic location: 20q11.21.
Variant type: single nucleotide variant.
Coding change: c.539C>T on transcript NM_006892.4 (MANE Select); coding-DNA position 539, C replaced by T.
Protein change: p.Thr180Met; replaces threonine 180 with methionine.
Molecular consequence: missense variant.
Genome position (GRCh38, 1-based): chr20:32,787,336, C>T. VCF-style: chr20-32787336-C-T. GRCh37 (hg19) VCF-style: chr20-31375142-C-T.
Other names: c.413C>T, p.Thr138Met (NM_001207055.2); c.311C>T, p.Thr104Met (NM_001207056.2); c.539C>T, p.Thr180Met (NM_175848.2, NM_175849.2); c.575C>T, p.Thr192Met (NM_175850.3); short protein forms T104M, T180M, T138M, T192M.
Identifiers: ClinVar variation 895882 (VCV000895882.10), dbSNP rs537913125, ClinGen allele CA9810244.